The following is an entry in ClinVar:

NM_181808.4(POLN):c.2509del (p.Gln837fs)

Gene: POLN (DNA polymerase nu; minus strand). Cytogenetic location: 4p16.3.
Variant type: Deletion.
Coding change: c.2509del on transcript NM_181808.4 (MANE Select); coding-DNA position 2509, one base deleted (C; older notation c.2509delC).
Protein change: p.Gln837fs; shifts the reading frame from glutamine 837.
Molecular consequence: frameshift variant.
Genome position (GRCh38, 1-based): chr4:2,072,976, G deleted on the plus strand (C on the coding strand, the reverse complement: POLN is on the minus strand). VCF-style (leftmost placement, unchanged base first): chr4-2072975-TG-T. GRCh37 (hg19) VCF-style: chr4-2074702-TG-T.
Other names: c.2509delC (NM_181808.3); short protein forms Q837fs.
Identifiers: ClinVar variation 715710 (VCV000715710.5), dbSNP rs3833632, ClinGen allele CA2814093.

ClinVar aggregate classification (germline): Benign. Review status: criteria provided, multiple submitters, no conflicts (2 of 4 stars). 2 submissions from 2 submitters: Benign (2). Last evaluated 2019-01-18.

Allele frequency attached by ClinVar (database versions not stated): ESP Exome Variant Server 0.00248; gnomAD 0.00358 and 0.00440; TOPMed 0.00512; gnomAD exomes 0.00595 and 0.00713; ExAC 0.00674; 1000 Genomes Project 30x 0.01234; 1000 Genomes Project 0.01298.

Submissions (2):

GeneDx
Classification: Benign. Last evaluated: 2019-01-18. Review status: criteria provided, single submitter. Criteria: GeneDx Variant Classification Process June 2021. Collection method: clinical testing. Allele origin: germline. Affected: yes.
Comment: This variant is associated with the following publications: (PMID: 29074453)

Labcorp Genetics (formerly Invitae), Labcorp
Classification: Benign. Last evaluated: 2018-04-25. Review status: criteria provided, single submitter. Criteria: Invitae Variant Classification Sherloc (09022015). Collection method: clinical testing. Allele origin: germline.